The following is an entry in ClinVar:

NM_000222.3(KIT):c.2332A>G (p.Lys778Glu)

Gene: KIT (KIT proto-oncogene, receptor tyrosine kinase; plus strand). Cytogenetic location: 4q12.
Variant type: single nucleotide variant.
Coding change: c.2332A>G on transcript NM_000222.3 (MANE Select); coding-DNA position 2332, A replaced by G.
Protein change: p.Lys778Glu; replaces lysine 778 with glutamic acid.
Molecular consequence: missense variant.
Genome position (GRCh38, 1-based): chr4:54,731,969, A>G. VCF-style: chr4-54731969-A-G. GRCh37 (hg19) VCF-style: chr4-55598135-A-G.
Other names: c.2320A>G, p.Lys774Glu (NM_001093772.2, NM_001385292.1); c.2335A>G, p.Lys779Glu (NM_001385284.1); c.2329A>G, p.Lys777Glu (NM_001385285.1); c.2317A>G, p.Lys773Glu (NM_001385286.1); c.2323A>G, p.Lys775Glu (NM_001385288.1); c.2332A>G, p.Lys778Glu (NM_001385290.1); short protein forms K773E, K775E, K778E, K774E, K777E, K779E.
Identifiers: ClinVar variation 5023318 (VCV005023318.1).

ClinVar aggregate classification (germline): Uncertain significance (1 of 4 stars; one submission).

Conditions:
Hereditary cancer-predisposing syndrome. Also called: Neoplastic Syndromes, Hereditary; Tumor predisposition; Hereditary neoplastic syndrome; Hereditary Cancer Syndrome. Identifiers: Orphanet 140162, MedGen C0027672, MeSH D009386, MONDO:0015356.

Submission:

Ambry Genetics
Classification: Uncertain significance for Hereditary cancer-predisposing syndrome. Last evaluated: 2026-07-07. Review status: criteria provided, single submitter. Criteria: Ambry Variant Classification Scheme 2023. Collection method: clinical testing. Allele origin: germline.
Comment: The p.K778E variant (also known as c.2332A>G), located in coding exon 16 of the KIT gene, results from an A to G substitution at nucleotide position 2332. The lysine at codon 778 is replaced by glutamic acid, an amino acid with similar properties. This amino acid position is conserved. In addition, the in silico prediction for this alteration is inconclusive. Based on the available evidence, the clinical significance of this variant remains unclear.